The following is an entry in ClinVar:

NM_015178.3(RHOBTB2):c.1954G>T (p.Ala652Ser)

Gene: RHOBTB2 (Rho related BTB domain containing 2; plus strand). Cytogenetic location: 8p21.3.
Variant type: single nucleotide variant.
Coding change: c.1954G>T on transcript NM_015178.3 (MANE Select); coding-DNA position 1954, G replaced by T.
Protein change: p.Ala652Ser; replaces alanine 652 with serine.
Molecular consequence: missense variant.
Genome position (GRCh38, 1-based): chr8:23,015,731, G>T. VCF-style: chr8-23015731-G-T. GRCh37 (hg19) VCF-style: chr8-22873244-G-T.
Other names: c.2020G>T, p.Ala674Ser (NM_001160036.2); c.1975G>T, p.Ala659Ser (NM_001160037.2); c.1954G>T, p.Ala652Ser (NM_001374791.1); short protein forms A652S, A659S, A674S.
Identifiers: ClinVar variation 2633847 (VCV002633847.1), dbSNP rs2487051255, ClinGen allele CA370576112.

ClinVar aggregate classification (germline): Uncertain significance (1 of 4 stars; one submission).

Conditions:
RHOBTB2-related disorder. Also called: RHOBTB2-related condition.

Submission:

PreventionGenetics, part of Exact Sciences
Classification: Uncertain significance for RHOBTB2-related condition. Last evaluated: 2023-04-11. Review status: criteria provided, single submitter. Criteria: ACMG Guidelines, 2015. Collection method: clinical testing. Allele origin: germline.
Comment: The RHOBTB2 c.2020G>T variant is predicted to result in the amino acid substitution p.Ala674Ser. To our knowledge, this variant has not been reported in the literature or in a large population database, indicating this variant is rare. At this time, the clinical significance of this variant is uncertain due to the absence of conclusive functional and genetic evidence.